The following is an entry in ClinVar:

NM_000219.6(KCNE1):c.340G>C (p.Ala114Pro)

Gene: KCNE1 (potassium voltage-gated channel subfamily E regulatory subunit 1; minus strand). Cytogenetic location: 21q22.12.
Variant type: single nucleotide variant.
Coding change: c.340G>C on transcript NM_000219.6 (MANE Select); coding-DNA position 340, G replaced by C.
Protein change: p.Ala114Pro; replaces alanine 114 with proline.
Molecular consequence: missense variant.
Genome position (GRCh38, 1-based): chr21:34,449,295, C>G on the plus strand (G>C on the coding strand, the complement: KCNE1 is on the minus strand). VCF-style: chr21-34449295-C-G. GRCh37 (hg19) VCF-style: chr21-35821593-C-G.
Other names: c.340G>C, p.Ala114Pro (NM_001127668.4, NM_001127669.4, NM_001127670.4 and 4 more transcripts); short protein forms A114P.
Identifiers: ClinVar variation 3374685 (VCV003374685.2).

Conditions:
Long QT syndrome 5 (LQT5). Identifiers: Orphanet 101016, Orphanet 768, MedGen C1867904, MONDO:0013372, OMIM 613695.

Submission:

Roden Lab, Vanderbilt University Medical Center
No classification provided (evidence only). Condition: Long QT syndrome 5. Review status: no classification provided. Collection method: in vitro. Allele origin: not applicable. Functional consequence: Effect on ion channel function.
ClinVar note: "not provided" was previously submitted as the classification for the variant. However, the classification appeared to be based only on an observation of functional data so it was converted to no classification on 2025-07-30.